The following is an entry in ClinVar:

NM_001244008.2(KIF1A):c.2450G>A (p.Arg817His)

Gene: KIF1A (kinesin family member 1A; minus strand). Cytogenetic location: 2q37.3.
Variant type: single nucleotide variant.
Coding change: c.2450G>A on transcript NM_001244008.2 (MANE Select); coding-DNA position 2450, G replaced by A.
Protein change: p.Arg817His; replaces arginine 817 with histidine.
Molecular consequence: missense variant.
Genome position (GRCh38, 1-based): chr2:240,758,492, C>T on the plus strand (G>A on the coding strand, the complement: KIF1A is on the minus strand). VCF-style: chr2-240758492-C-T. GRCh37 (hg19) VCF-style: chr2-241697909-C-T.
Other names: c.2450G>A, p.Arg817His (NM_001320705.2, NM_001330289.2, NM_001379638.1); c.2525G>A, p.Arg842His (NM_001330290.2, NM_001379631.1, NM_001379634.1 and 2 more transcripts); c.2423G>A, p.Arg808His (NM_001379632.1, NM_001379633.1, NM_001379636.1 and 11 more transcripts); c.2498G>A, p.Arg833His (NM_001379637.1, NM_001379648.1); short protein forms R817H, R833H, R842H, R808H.
Identifiers: ClinVar variation 2930896 (VCV002930896.3), dbSNP rs1309697031, ClinGen allele CA351324086.

ClinVar aggregate classification (germline): Uncertain significance (1 of 4 stars; one submission).

Conditions:
Neuropathy, hereditary sensory, type 2C. Also called: Hereditary sensory and autonomic neuropathy type IIC; KIF1A-Related HSAN2 (HSAN2C). Identifiers: Orphanet 970, MedGen C3280168, MONDO:0013634, OMIM 614213.
Hereditary spastic paraplegia 30. Identifiers: Orphanet 101010, MedGen C5235139, MONDO:0012476.
Intellectual disability, autosomal dominant 9 (NESCAVS). Also called: NESCAV SYNDROME; KIF1A-Related Neurodevelopmental Disorder. Identifiers: Orphanet 662367, MedGen C5393830, MONDO:0013656, OMIM 614255.

Allele frequency attached by ClinVar (database versions not stated): gnomAD exomes below 0.00001.
gnomAD v4.1: 2 of 1,584,960 alleles (0.00013%); highest among the groups gnomAD compares: Non-Finnish European, 0.00017%; no homozygotes.

Submission:

Labcorp Genetics (formerly Invitae), Labcorp
Classification: Uncertain significance for Hereditary spastic paraplegia 30; Neuropathy, hereditary sensory, type 2C; Intellectual disability, autosomal dominant 9. Last evaluated: 2023-10-28. Review status: criteria provided, single submitter. Criteria: Invitae Variant Classification Sherloc (09022015). Collection method: clinical testing. Allele origin: germline.
Comment: This sequence change replaces arginine, which is basic and polar, with histidine, which is basic and polar, at codon 808 of the KIF1A protein (p.Arg808His). The frequency data for this variant in the population databases is considered unreliable, as metrics indicate poor data quality at this position in the gnomAD database. This variant has not been reported in the literature in individuals affected with KIF1A-related conditions. Advanced modeling of protein sequence and biophysical properties (such as structural, functional, and spatial information, amino acid conservation, physicochemical variation, residue mobility, and thermodynamic stability) has been performed at Invitae for this missense variant, however the output from this modeling did not meet the statistical confidence thresholds required to predict the impact of this variant on KIF1A protein function. In summary, the available evidence is currently insufficient to determine the role of this variant in disease. Therefore, it has been classified as a Variant of Uncertain Significance.